The following is an entry in ClinVar:

NM_020184.4(CNNM4):c.114G>C (p.Gln38His)

Gene: CNNM4 (cyclin and CBS domain divalent metal cation transport mediator 4; plus strand). Cytogenetic location: 2q11.2.
Variant type: single nucleotide variant.
Coding change: c.114G>C on transcript NM_020184.4 (MANE Select); coding-DNA position 114, G replaced by C.
Protein change: p.Gln38His; replaces glutamine 38 with histidine.
Molecular consequence: missense variant.
Genome position (GRCh38, 1-based): chr2:96,761,113, G>C. VCF-style: chr2-96761113-G-C. GRCh37 (hg19) VCF-style: chr2-97426850-G-C.
Other names: short protein forms Q38H.
Identifiers: ClinVar variation 1000303 (VCV001000303.8), dbSNP rs1366603910, ClinGen allele CA347710880.

ClinVar aggregate classification (germline): Uncertain significance (1 of 4 stars; one submission).

Allele frequency attached by ClinVar (database versions not stated): gnomAD 0.00001.
gnomAD v4.1: 1 of 1,570,222 alleles (0.000064%); highest among the groups gnomAD compares: African/African-American, 0.0013%; no homozygotes.

Submission:

Labcorp Genetics (formerly Invitae), Labcorp
Classification: Uncertain significance. Last evaluated: 2024-12-02. Review status: criteria provided, single submitter. Criteria: Invitae Variant Classification Sherloc (09022015). Collection method: clinical testing. Allele origin: germline.
Comment: This sequence change replaces glutamine, which is neutral and polar, with histidine, which is basic and polar, at codon 38 of the CNNM4 protein (p.Gln38His). This variant is present in population databases (no rsID available, gnomAD 0.01%). This variant has not been reported in the literature in individuals affected with CNNM4-related conditions. ClinVar contains an entry for this variant (Variation ID: 1000303). Invitae Evidence Modeling of protein sequence and biophysical properties (such as structural, functional, and spatial information, amino acid conservation, physicochemical variation, residue mobility, and thermodynamic stability) indicates that this missense variant is not expected to disrupt CNNM4 protein function with a negative predictive value of 80%. In summary, the available evidence is currently insufficient to determine the role of this variant in disease. Therefore, it has been classified as a Variant of Uncertain Significance.